The following is an entry in ClinVar:

ClinVar aggregate classification (germline): Conflicting classifications of pathogenicity. Review status: criteria provided, conflicting classifications (1 of 4 stars). 4 submissions from 4 submitters: Uncertain significance (3); Likely benign (1). Last evaluated 2025-12-03.

Conditions:
Inborn genetic diseases. Identifiers: MedGen C0950123, MeSH D030342.
VCAN-related disorder. Also called: VCAN-related condition.

Allele frequency attached by ClinVar (database versions not stated): ExAC 0.00002; gnomAD 0.00004; gnomAD exomes 0.00004.
gnomAD v4.1: 71 of 1,613,830 alleles (0.0044%); highest among the groups gnomAD compares: Middle Eastern, 0.016%; no homozygotes.

Submissions (4):

Labcorp Genetics (formerly Invitae), Labcorp
Classification: Uncertain significance. Last evaluated: 2025-12-03. Review status: criteria provided, single submitter. Criteria: Invitae Variant Classification Sherloc (09022015). Collection method: clinical testing. Allele origin: germline.
Comment: This sequence change replaces threonine, which is neutral and polar, with methionine, which is neutral and non-polar, at codon 1459 of the VCAN protein (p.Thr1459Met). This variant is present in population databases (rs747981537, gnomAD 0.01%). This missense change has been observed in individuals with inherited retinal dystrophy (internal data). ClinVar contains an entry for this variant (Variation ID: 1063253). An algorithm developed to predict the effect of missense changes on protein structure and function outputs the following: PolyPhen-2: "Possibly Damaging". The methionine amino acid residue is found in multiple mammalian species, which suggests that this missense change does not adversely affect protein function. In summary, the available evidence is currently insufficient to determine the role of this variant in disease. Therefore, it has been classified as a Variant of Uncertain Significance.

Ambry Genetics
Classification: Uncertain significance for Inborn genetic diseases. Last evaluated: 2025-11-08. Review status: criteria provided, single submitter. Criteria: Ambry Variant Classification Scheme 2023. Collection method: clinical testing. Allele origin: germline.

PreventionGenetics, part of Exact Sciences
Classification: Uncertain significance for VCAN-related condition. Last evaluated: 2025-09-05. Review status: criteria provided, single submitter. Criteria: ACMG Guidelines, 2015. Collection method: clinical testing. Allele origin: germline.
Comment: The VCAN c.4376C>T variant is predicted to result in the amino acid substitution p.Thr1459Met. To our knowledge, this variant has not been reported in the literature. This variant is reported in 0.0097% of alleles in individuals of Ashkenazi Jewish descent in gnomAD. At this time, the clinical significance of this variant is uncertain due to the absence of conclusive functional and genetic evidence.

Blueprint Genetics
Classification: Likely benign. Last evaluated: 2023-11-10. Review status: criteria provided, single submitter. Criteria: ACMG Guidelines, 2015. Collection method: clinical testing. Allele origin: germline.

NM_004385.5(VCAN):c.4376C>T (p.Thr1459Met)

Genes: VCAN (versican; plus strand), VCAN-AS1 (VCAN antisense RNA 1; minus strand). Cytogenetic location: 5q14.3.
Variant type: single nucleotide variant.
Coding change: c.4376C>T on transcript NM_004385.5 (MANE Select); coding-DNA position 4376, C replaced by T.
Protein change: p.Thr1459Met; replaces threonine 1459 with methionine.
Molecular consequence: missense variant. On other transcripts: intron variant (2).
Genome position (GRCh38, 1-based): chr5:83,537,379, C>T. VCF-style: chr5-83537379-C-T. GRCh37 (hg19) VCF-style: chr5-82833198-C-T.
Other names: c.4376C>T (NM_004385.4); c.1415C>T, p.Thr472Met (NM_001164097.2); c.4004-8158C>T (NM_001164098.2); c.1043-8158C>T (NM_001126336.3); short protein forms T1459M, T472M.
Identifiers: ClinVar variation 1063253 (VCV001063253.13), dbSNP rs747981537, ClinGen allele CA3333162.
Genomic context (GRCh38, chr5:83,537,379, plus strand): 5'-CTTCTCAGAATTTCTCGGACAGCTCTGAAAGTGATACTCATCCATTTGTAATAGCCAAAA[C>T]GGAATTGTCTACTGCTGTGCAACCTAATGAATCTACAGAAACAACTGAGTCTCTTGAAGT-3'
Protein context (NP_004376.2, residues 1449-1469): SDTHPFVIAK[Thr1459Met]ELSTAVQPNE